The following is an entry in ClinVar:

ClinVar aggregate classification (germline): Likely benign. Review status: criteria provided, single submitter (1 of 4 stars). 2 submissions from 2 submitters: Likely benign (1). 1 of the submissions does not count toward it. Last evaluated 2022-08-19.

Conditions:
Marfan syndrome (MFS). Also called: MARFAN SYNDROME, TYPE I; FBN1-Related Marfan Syndrome; Marfan syndrome type 1; Marfan's syndrome; Marfan syndrome, classic. Identifiers: Orphanet 284963, Orphanet 558, MedGen C0024796, MONDO:0007947, OMIM 154700.
Familial thoracic aortic aneurysm and aortic dissection (TAAD). Also called: Thoracic aortic aneurysms and dissections. Identifiers: Orphanet 91387, MedGen C4707243, MONDO:0019625.
FBN1-related disorder. Also called: FBN1-related disorders.

Allele frequency attached by ClinVar (database versions not stated): gnomAD exomes below 0.00001.
gnomAD v4.1: 3 of 1,614,076 alleles (0.00019%); highest among the groups gnomAD compares: South Asian, 0.0022%; no homozygotes.

Submissions (2):

Labcorp Genetics (formerly Invitae), Labcorp
Classification: Likely benign for Marfan syndrome; Familial thoracic aortic aneurysm and aortic dissection. Last evaluated: 2022-08-19. Review status: criteria provided, single submitter. Criteria: Invitae Variant Classification Sherloc (09022015). Collection method: clinical testing. Allele origin: germline.

PreventionGenetics, part of Exact Sciences
Classification: Likely benign for FBN1-related condition. Last evaluated: 2024-01-02. Review status: no assertion criteria provided. Collection method: clinical testing. Allele origin: germline. Not counted in ClinVar's aggregate classification.
Comment: This variant is classified as likely benign based on ACMG/AMP sequence variant interpretation guidelines (Richards et al. 2015 PMID: 25741868, with internal and published modifications).

NM_000138.5(FBN1):c.4395T>C (p.Pro1465=)

Gene: FBN1 (fibrillin 1; minus strand). Cytogenetic location: 15q21.1.
Variant type: single nucleotide variant.
Coding change: c.4395T>C on transcript NM_000138.5 (MANE Select); coding-DNA position 4395, T replaced by C.
Protein change: p.Pro1465=; no amino-acid change (proline 1465 retained).
Molecular consequence: synonymous variant.
Genome position (GRCh38, 1-based): chr15:48,470,698, A>G on the plus strand (T>C on the coding strand, the complement: FBN1 is on the minus strand). VCF-style: chr15-48470698-A-G. GRCh37 (hg19) VCF-style: chr15-48762895-A-G.
Identifiers: ClinVar variation 457212 (VCV000457212.10), dbSNP rs1555397410, ClinGen allele CA490027753.